The following is an entry in ClinVar:

ClinVar aggregate classification (germline): Uncertain significance (1 of 4 stars; one submission).

Conditions:
LAMC3-related disorder. Also called: LAMC3-related condition.

Allele frequency attached by ClinVar (database versions not stated): gnomAD exomes below 0.00001.
gnomAD v4.1: 1 of 1,613,922 alleles (0.000062%); highest among the groups gnomAD compares: South Asian, 0.0011%; no homozygotes.

Submission:

PreventionGenetics, part of Exact Sciences
Classification: Uncertain significance for LAMC3-related condition. Last evaluated: 2023-03-13. Review status: criteria provided, single submitter. Criteria: ACMG Guidelines, 2015. Collection method: clinical testing. Allele origin: germline.
Comment: The LAMC3 c.2383G>T variant is predicted to result in the amino acid substitution p.Gly795Trp. To our knowledge, this variant has not been reported in the literature. This variant is reported in 0.0033% of alleles in individuals of South Asian descent in gnomAD. At this time, the clinical significance of this variant is uncertain due to the absence of conclusive functional and genetic evidence.

NM_006059.4(LAMC3):c.2383G>T (p.Gly795Trp)

Gene: LAMC3 (laminin subunit gamma 3; plus strand). Cytogenetic location: 9q34.12.
Variant type: single nucleotide variant.
Coding change: c.2383G>T on transcript NM_006059.4 (MANE Select); coding-DNA position 2383, G replaced by T.
Protein change: p.Gly795Trp; replaces glycine 795 with tryptophan.
Molecular consequence: missense variant.
Genome position (GRCh38, 1-based): chr9:131,066,995, G>T. VCF-style: chr9-131066995-G-T. GRCh37 (hg19) VCF-style: chr9-133942382-G-T.
Other names: short protein forms G795W.
Identifiers: ClinVar variation 2629165 (VCV002629165.1), dbSNP rs1394430002, ClinGen allele CA375253051.